The following is an entry in ClinVar:

NM_032833.5(PPP1R15B):c.890G>T (p.Arg297Leu)

Gene: PPP1R15B (protein phosphatase 1 regulatory subunit 15B; minus strand). Cytogenetic location: 1q32.1.
Variant type: single nucleotide variant.
Coding change: c.890G>T on transcript NM_032833.5 (MANE Select); coding-DNA position 890, G replaced by T.
Protein change: p.Arg297Leu; replaces arginine 297 with leucine.
Molecular consequence: missense variant.
Genome position (GRCh38, 1-based): chr1:204,410,522, C>A on the plus strand (G>T on the coding strand, the complement: PPP1R15B is on the minus strand). VCF-style: chr1-204410522-C-A. GRCh37 (hg19) VCF-style: chr1-204379650-C-A.
Other names: short protein forms R297L.
Identifiers: ClinVar variation 3899474 (VCV003899474.1).

ClinVar aggregate classification (germline): Uncertain significance (1 of 4 stars; one submission).

Submission:

GeneDx
Classification: Uncertain significance. Last evaluated: 2024-11-15. Review status: criteria provided, single submitter. Criteria: GeneDx Variant Classification Process June 2021. Collection method: clinical testing. Allele origin: germline. Affected: yes.
Comment: Not observed at significant frequency in large population cohorts (gnomAD); In silico analysis supports that this missense variant has a deleterious effect on protein structure/function; Has not been previously published as pathogenic or benign to our knowledge